The following is an entry in ClinVar:

NM_002858.4(ABCD3):c.1136G>A (p.Arg379His)

Gene: ABCD3 (ATP binding cassette subfamily D member 3; plus strand). Cytogenetic location: 1p21.3.
Variant type: single nucleotide variant.
Coding change: c.1136G>A on transcript NM_002858.4 (MANE Select); coding-DNA position 1136, G replaced by A.
Protein change: p.Arg379His; replaces arginine 379 with histidine.
Molecular consequence: missense variant.
Genome position (GRCh38, 1-based): chr1:94,487,962, G>A. VCF-style: chr1-94487962-G-A. GRCh37 (hg19) VCF-style: chr1-94953518-G-A.
Other names: short protein forms R379H.
Identifiers: ClinVar variation 4705047 (VCV004705047.1).

ClinVar aggregate classification (germline): Uncertain significance (1 of 4 stars; one submission).

gnomAD v4.1: 7 of 1,613,506 alleles (0.00043%); highest among the groups gnomAD compares: Middle Eastern, 0.017%; no homozygotes.

Submission:

Labcorp Genetics (formerly Invitae), Labcorp
Classification: Uncertain significance. Last evaluated: 2025-04-22. Review status: criteria provided, single submitter. Criteria: Invitae Variant Classification Sherloc (09022015). Collection method: clinical testing. Allele origin: germline.
Comment: This sequence change replaces arginine, which is basic and polar, with histidine, which is basic and polar, at codon 379 of the ABCD3 protein (p.Arg379His). This variant is present in population databases (no rsID available, gnomAD 0.006%). This variant has not been reported in the literature in individuals affected with ABCD3-related conditions. An algorithm developed to predict the effect of missense changes on protein structure and function (PolyPhen-2) suggests that this variant is likely to be disruptive. In summary, the available evidence is currently insufficient to determine the role of this variant in disease. Therefore, it has been classified as a Variant of Uncertain Significance.